The following is an entry in ClinVar:

NM_000222.3(KIT):c.1538A>C (p.Lys513Thr)

Gene: KIT (KIT proto-oncogene, receptor tyrosine kinase; plus strand). Cytogenetic location: 4q12.
Variant type: single nucleotide variant.
Coding change: c.1538A>C on transcript NM_000222.3 (MANE Select); coding-DNA position 1538, A replaced by C.
Protein change: p.Lys513Thr; replaces lysine 513 with threonine.
Molecular consequence: missense variant. On other transcripts: intron variant (4).
Genome position (GRCh38, 1-based): chr4:54,726,048, A>C. VCF-style: chr4-54726048-A-C. GRCh37 (hg19) VCF-style: chr4-55592214-A-C.
Other names: c.1541A>C, p.Lys514Thr (NM_001385284.1, NM_001385290.1); c.1538A>C, p.Lys513Thr (NM_001385285.1); c.1531+10A>C (NM_001385288.1, NM_001385292.1); c.1528+10A>C (NM_001093772.2, NM_001385286.1); short protein forms K513T, K514T.
Identifiers: ClinVar variation 1774750 (VCV001774750.2), dbSNP rs772813487, ClinGen allele CA356906755.
Genomic context (GRCh38, chr4:54,726,048, plus strand): 5'-CTTACAACGATGTGGGCAAGACTTCTGCCTATTTTAACTTTGCATTTAAAGGTAACAACA[A>C]AGGTATATTTCTTTTTAATCCAATTTAAGGGGATGTTTAGGCTCTGTCTACCATATCAGT-3'
Protein context (NP_000213.1, residues 503-523): YFNFAFKGNN[Lys513Thr]EQIHPHTLFT

ClinVar aggregate classification (germline): Uncertain significance (1 of 4 stars; one submission).

Conditions:
Hereditary cancer-predisposing syndrome. Also called: Hereditary Cancer Syndrome; Hereditary neoplastic syndrome; Neoplastic Syndromes, Hereditary; Tumor predisposition. Identifiers: Orphanet 140162, MedGen C0027672, MeSH D009386, MONDO:0015356.

Submission:

Ambry Genetics
Classification: Uncertain significance for Hereditary cancer-predisposing syndrome. Last evaluated: 2021-06-15. Review status: criteria provided, single submitter. Criteria: Ambry Variant Classification Scheme 2023. Collection method: clinical testing. Allele origin: germline.
Comment: The p.K513T variant (also known as c.1538A>C), located in coding exon 9 of the KIT gene, results from an A to C substitution at nucleotide position 1538. The lysine at codon 513 is replaced by threonine, an amino acid with similar properties. This amino acid position is well conserved in available vertebrate species. In addition, the in silico prediction for this alteration is inconclusive. Since supporting evidence is limited at this time, the clinical significance of this alteration remains unclear.